The following is an entry in ClinVar:

ClinVar aggregate classification (germline): Uncertain significance. Review status: criteria provided, multiple submitters, no conflicts (2 of 4 stars). 2 submissions from 2 submitters: Uncertain significance (2). Last evaluated 2023-11-13.

Conditions:
Autosomal recessive limb-girdle muscular dystrophy type 2F (LGMDR6). Also called: MUSCULAR DYSTROPHY, LIMB-GIRDLE, AUTOSOMAL RECESSIVE 6; Muscular dystrophy limb-girdle with delta-sarcoglyan deficiency. Identifiers: Orphanet 219, MedGen C1832525, MONDO:0011028, OMIM 601287. Disease mechanism: Affects gamma-sarcoglycan and also disrupts the integrity of the entire sarcoglycan complex..

Submissions (2):

GeneDx
Classification: Uncertain significance. Last evaluated: 2023-11-13. Review status: criteria provided, single submitter. Criteria: GeneDx Variant Classification Process June 2021. Collection method: clinical testing. Allele origin: germline. Affected: yes.
Comment: Not observed at significant frequency in large population cohorts (gnomAD); In silico analysis supports that this missense variant has a deleterious effect on protein structure/function; Has not been previously published as pathogenic or benign to our knowledge

Labcorp Genetics (formerly Invitae), Labcorp
Classification: Uncertain significance for Autosomal recessive limb-girdle muscular dystrophy type 2F. Last evaluated: 2021-08-05. Review status: criteria provided, single submitter. Criteria: Invitae Variant Classification Sherloc (09022015). Collection method: clinical testing. Allele origin: germline.
Comment: This variant has not been reported in the literature in individuals affected with SGCD-related conditions. This variant is not present in population databases (ExAC no frequency). This sequence change replaces leucine with serine at codon 164 of the SGCD protein (p.Leu164Ser). The leucine residue is highly conserved and there is a large physicochemical difference between leucine and serine. Algorithms developed to predict the effect of missense changes on protein structure and function are either unavailable or do not agree on the potential impact of this missense change (SIFT: "Deleterious"; PolyPhen-2: "Possibly Damaging"; Align-GVGD: "Class C0"). In summary, the available evidence is currently insufficient to determine the role of this variant in disease. Therefore, it has been classified as a Variant of Uncertain Significance.

NM_000337.6(SGCD):c.491T>C (p.Leu164Ser)

Gene: SGCD (sarcoglycan delta; plus strand). Cytogenetic location: 5q33.3.
Variant type: single nucleotide variant.
Coding change: c.491T>C on transcript NM_000337.6 (MANE Select); coding-DNA position 491, T replaced by C.
Protein change: p.Leu164Ser; replaces leucine 164 with serine.
Molecular consequence: missense variant.
Genome position (GRCh38, 1-based): chr5:156,595,040, T>C. VCF-style: chr5-156595040-T-C. GRCh37 (hg19) VCF-style: chr5-156022050-T-C.
Other names: c.488T>C, p.Leu163Ser (NM_001128209.2); c.491T>C, p.Leu164Ser (NM_172244.3); c.491T>C (NM_000337.5); short protein forms L163S, L164S.
Identifiers: ClinVar variation 1409380 (VCV001409380.7), dbSNP rs2113389732, ClinGen allele CA362010809.
Genomic context (GRCh38, chr5:156,595,040, plus strand): 5'-TTTCTGGAAAATTGCTCTTCTCTGCAGACAATAATGAAGTGGTAGTAGGAGCTGAAAGAT[T>C]ACGAGTTTTAGGTAAGGAAACTTGAATCATTTAACTTGTTTGATGCTACTGTGTACATTT-3'
Protein context (NP_000328.2, residues 154-174): NNEVVVGAER[Leu164Ser]RVLGAEGTVF